The following is an entry in ClinVar:

ClinVar aggregate classification (germline): Likely benign. Review status: criteria provided, multiple submitters, no conflicts (2 of 4 stars). 2 submissions from 2 submitters: Likely benign (2). Last evaluated 2024-05-10.

Conditions:
Ataxia-telangiectasia syndrome (AT). Also called: Ataxia-telangiectasia; AT, COMPLEMENTATION GROUP C; ATAXIA-TELANGIECTASIA, FRESNO VARIANT; Ataxia-telangiectasia, complementation group D; Ataxia-telangiectasia, complementation group E; LOUIS-BAR SYNDROME. Identifiers: Orphanet 100, MedGen C0004135, MONDO:0008840, OMIM 208900.
Familial cancer of breast. Also called: BREAST CANCER, FAMILIAL; hereditary breast carcinoma; Hereditary breast cancer. Identifiers: Orphanet 227535, MedGen C0346153, MONDO:0016419, OMIM 114480. Disease mechanism: loss of function.

Submissions (2):

Myriad Genetics, Inc.
Classification: Likely benign for Familial cancer of breast. Last evaluated: 2024-05-10. Review status: criteria provided, single submitter. Criteria: Myriad Autosomal Dominant, Autosomal Recessive and X-Linked Classification Criteria (2023). Collection method: clinical testing. Allele origin: unknown.
Comment: This variant is considered likely benign. This variant is intronic and is not expected to impact mRNA splicing.

Labcorp Genetics (formerly Invitae), Labcorp
Classification: Likely benign for Ataxia-telangiectasia syndrome. Last evaluated: 2023-06-25. Review status: criteria provided, single submitter. Criteria: Invitae Variant Classification Sherloc (09022015). Collection method: clinical testing. Allele origin: germline.

NM_000051.4(ATM):c.2839-13C>T

Gene: ATM (ATM serine/threonine kinase; plus strand). Cytogenetic location: 11q22.3.
Variant type: single nucleotide variant.
Coding change: c.2839-13C>T on transcript NM_000051.4 (MANE Select); 13 bases into the intron before coding-DNA position 2839, C replaced by T.
Molecular consequence: intron variant.
Genome position (GRCh38, 1-based): chr11:108,271,051, C>T. VCF-style: chr11-108271051-C-T. GRCh37 (hg19) VCF-style: chr11-108141778-C-T.
Other names: c.2839-13C>T (NM_001351834.2).
Identifiers: ClinVar variation 2023355 (VCV002023355.5), dbSNP rs2135546894, ClinGen allele CA2580083194.
Genomic context (GRCh38, chr11:108,271,051, plus strand): 5'-GCCTATGTTTATATACTTTTTAAAGTAAATGATTTGTGGATAAACCTGATTTTTTTCCCT[C>T]CTACCATCTTAGTATCTAATGCTTTTAAAGGAGCTTCCTGGAGAAGAGTACCCCTTGCCA-3'